The following is an entry in ClinVar:

ClinVar aggregate classification (germline): Uncertain significance (1 of 4 stars; one submission).

Conditions:
Marfan syndrome (MFS). Also called: Marfan syndrome type 1; Marfan's syndrome; FBN1-Related Marfan Syndrome; MARFAN SYNDROME, TYPE I; Marfan syndrome, classic. Identifiers: Orphanet 284963, Orphanet 558, MedGen C0024796, MONDO:0007947, OMIM 154700.
Familial thoracic aortic aneurysm and aortic dissection (TAAD). Also called: Thoracic aortic aneurysms and dissections. Identifiers: Orphanet 91387, MedGen C4707243, MONDO:0019625.

Submission:

Labcorp Genetics (formerly Invitae), Labcorp
Classification: Uncertain significance for Marfan syndrome; Familial thoracic aortic aneurysm and aortic dissection. Last evaluated: 2021-10-21. Review status: criteria provided, single submitter. Criteria: Invitae Variant Classification Sherloc (09022015). Collection method: clinical testing. Allele origin: germline.
Comment: This variant has not been reported in the literature in individuals affected with FBN1-related conditions. This variant is not present in population databases (ExAC no frequency). This sequence change replaces glycine with glutamic acid at codon 479 of the FBN1 protein (p.Gly479Glu). The glycine residue is highly conserved and there is a moderate physicochemical difference between glycine and glutamic acid. Advanced modeling of protein sequence and biophysical properties (such as structural, functional, and spatial information, amino acid conservation, physicochemical variation, residue mobility, and thermodynamic stability) performed at Invitae indicates that this missense variant is expected to disrupt FBN1 protein function. In summary, the available evidence is currently insufficient to determine the role of this variant in disease. Therefore, it has been classified as a Variant of Uncertain Significance.

NM_000138.5(FBN1):c.1436G>A (p.Gly479Glu)

Gene: FBN1 (fibrillin 1; minus strand). Cytogenetic location: 15q21.1.
Variant type: single nucleotide variant.
Coding change: c.1436G>A on transcript NM_000138.5 (MANE Select); coding-DNA position 1436, G replaced by A.
Protein change: p.Gly479Glu; replaces glycine 479 with glutamic acid.
Molecular consequence: missense variant.
Genome position (GRCh38, 1-based): chr15:48,515,419, C>T on the plus strand (G>A on the coding strand, the complement: FBN1 is on the minus strand). VCF-style: chr15-48515419-C-T. GRCh37 (hg19) VCF-style: chr15-48807616-C-T.
Other names: short protein forms G479E.
Identifiers: ClinVar variation 1388520 (VCV001388520.6), dbSNP rs1247260475, ClinGen allele CA392343704.
Genomic context (GRCh38, chr15:48,515,419, plus strand): 5'-TGGTGCCAACCTAGGATGGATCACGTACCAATACACTCCCCACGGAGGTCCAGCTGGAAC[C>T]CTTTGTTGCACTCACACCGGTAACTCCCAGGAGTTGGAATGCAGCGTCCATTTTGACAGA-3'
Protein context (NP_000129.3, residues 469-489): PGSYRCECNK[Gly479Glu]FQLDLRGECI